The following is an entry in ClinVar:

ClinVar aggregate classification (germline): Uncertain significance (1 of 4 stars; one submission).

Submission:

Labcorp Genetics (formerly Invitae), Labcorp
Classification: Uncertain significance. Last evaluated: 2022-11-26. Review status: criteria provided, single submitter. Criteria: Invitae Variant Classification Sherloc (09022015). Collection method: clinical testing. Allele origin: germline.
Comment: This sequence change replaces alanine, which is neutral and non-polar, with valine, which is neutral and non-polar, at codon 1863 of the CHD8 protein (p.Ala1863Val). This variant is present in population databases (no rsID available, gnomAD 0.007%). This variant has not been reported in the literature in individuals affected with CHD8-related conditions. Advanced modeling of protein sequence and biophysical properties (such as structural, functional, and spatial information, amino acid conservation, physicochemical variation, residue mobility, and thermodynamic stability) performed at Invitae indicates that this missense variant is not expected to disrupt CHD8 protein function. In summary, the available evidence is currently insufficient to determine the role of this variant in disease. Therefore, it has been classified as a Variant of Uncertain Significance.

NM_001170629.2(CHD8):c.5588C>T (p.Ala1863Val)

Gene: CHD8 (chromodomain helicase DNA binding protein 8; minus strand). Cytogenetic location: 14q11.2.
Variant type: single nucleotide variant.
Coding change: c.5588C>T on transcript NM_001170629.2 (MANE Select); coding-DNA position 5588, C replaced by T.
Protein change: p.Ala1863Val; replaces alanine 1863 with valine.
Molecular consequence: missense variant.
Genome position (GRCh38, 1-based): chr14:21,394,288, G>A on the plus strand (C>T on the coding strand, the complement: CHD8 is on the minus strand). VCF-style: chr14-21394288-G-A. GRCh37 (hg19) VCF-style: chr14-21862447-G-A.
Other names: c.4751C>T, p.Ala1584Val (NM_020920.4); short protein forms A1584V, A1863V.
Identifiers: ClinVar variation 3000644 (VCV003000644.3), dbSNP rs1377898106, ClinGen allele CA388882743.
Genomic context (GRCh38, chr14:21,394,288, plus strand): 5'-AGTTGCTTCTGTTGGCATCCATCCTCACCCACTCTGCAATCTTGCTTACCATCTCCAGCT[G>A]CTGGGGGAAGGCGGCATACTTGGCGGCACATGGCCACAAAGCCATGGAAGTACTTGGTAA-3'
Protein context (NP_001164100.1, residues 1853-1873): MCRQVCRLPP[Ala1863Val]AGDEPPDPNL